The following is an entry in ClinVar:

ClinVar aggregate classification (germline): Uncertain significance (3 of 4 stars; one submission).

Conditions:
Open-angle glaucoma. Identifiers: MedGen C0017612, MONDO:0005338, HP:0012108.

Submission:

ClinGen Glaucoma Variant Curation Expert Panel
Classification: Uncertain significance for Open-angle glaucoma. Last evaluated: 2026-01-20. Review status: reviewed by expert panel. Criteria: ClinGen Glaucoma ACMG Specifications V2.0.0 Approved. Collection method: curation. Allele origin: germline. Inheritance: Autosomal dominant inheritance.
Comment: The c.1132G>A variant in MYOC is a missense variant predicted to cause substitution of Aspartate by Asparagine at amino acid 378 (p.Asp378Asn). The highest minor allele frequency of this variant was in the Remaining genetic ancestry group of gnomAD (v4.1.0) = 0.00001600 (1 allele out of 62,508), which met the ≤ 0.0001 threshold set for PM2_Supporting in a genetic ancestry group of at least 10,000 alleles. The REVEL score = 0.789, which was within the 0.773-0.931 range for PP3_Moderate, predicting a damaging effect on MYOC function. There was no functional evidence predicting a damaging or benign impact of this variant on MYOC function. Only 1 proband with juvenile open angle glaucoma (JOAG) had been reported (PMID: 37032519), not meeting the ≥ 2 probands threshold required to meet PS4_Supporting. Only 1 segregation had been reported for JOAG (PMID: 37032519), not meeting the ≥ 3 segregations required for PP1. In summary, this variant met the criteria to receive a score of 3 and to be classified as a variant of uncertain significance (uncertain significance classification range -1 to 5, adapted from PMID: 32720330) for juvenile open angle glaucoma based on the ACMG/AMP criteria met, as specified by the ClinGen Glaucoma VCEP (v2.0.0, 5 Dec 2024): PP3_Moderate, PM2_Supporting.

NM_000261.2(MYOC):c.1132G>A (p.Asp378Asn)

Gene: MYOC (myocilin; minus strand). Cytogenetic location: 1q24.3.
Variant type: single nucleotide variant.
Coding change: c.1132G>A on transcript NM_000261.2 (MANE Select); coding-DNA position 1132, G replaced by A.
Protein change: p.Asp378Asn; replaces aspartic acid 378 with asparagine.
Molecular consequence: missense variant.
Genome position (GRCh38, 1-based): chr1:171,636,308, C>T on the plus strand (G>A on the coding strand, the complement: MYOC is on the minus strand). VCF-style: chr1-171636308-C-T. GRCh37 (hg19) VCF-style: chr1-171605448-C-T.
Other names: NM_000261.2:c.1132G>A; short protein forms D378N.
Identifiers: ClinVar variation 4686557 (VCV004686557.1).